The following is an entry in ClinVar:

ClinVar aggregate classification (germline): Uncertain significance (1 of 4 stars; one submission).

Allele frequency attached by ClinVar (database versions not stated): gnomAD exomes below 0.00001.
gnomAD v4.1: 2 of 1,614,132 alleles (0.00012%); highest among the groups gnomAD compares: Non-Finnish European, 0.00017%; no homozygotes.

Submission:

Labcorp Genetics (formerly Invitae), Labcorp
Classification: Uncertain significance. Last evaluated: 2024-03-11. Review status: criteria provided, single submitter. Criteria: Invitae Variant Classification Sherloc (09022015). Collection method: clinical testing. Allele origin: germline.
Comment: This sequence change replaces valine, which is neutral and non-polar, with alanine, which is neutral and non-polar, at codon 96 of the MME protein (p.Val96Ala). This variant is not present in population databases (gnomAD no frequency). This variant has not been reported in the literature in individuals affected with MME-related conditions. Advanced modeling of protein sequence and biophysical properties (such as structural, functional, and spatial information, amino acid conservation, physicochemical variation, residue mobility, and thermodynamic stability) has been performed at Invitae for this missense variant, however the output from this modeling did not meet the statistical confidence thresholds required to predict the impact of this variant on MME protein function. In summary, the available evidence is currently insufficient to determine the role of this variant in disease. Therefore, it has been classified as a Variant of Uncertain Significance.

NM_007289.4(MME):c.287T>C (p.Val96Ala)

Gene: MME (membrane metalloendopeptidase; plus strand). Cytogenetic location: 3q25.2.
Variant type: single nucleotide variant.
Coding change: c.287T>C on transcript NM_007289.4 (MANE Select); coding-DNA position 287, T replaced by C.
Protein change: p.Val96Ala; replaces valine 96 with alanine.
Molecular consequence: missense variant.
Genome position (GRCh38, 1-based): chr3:155,115,084, T>C. VCF-style: chr3-155115084-T-C. GRCh37 (hg19) VCF-style: chr3-154832873-T-C.
Other names: c.287T>C, p.Val96Ala (NM_000902.5, NM_001354642.2, NM_001354643.1 and 2 more transcripts); short protein forms V96A.
Identifiers: ClinVar variation 2894108 (VCV002894108.3), dbSNP rs199575224, ClinGen allele CA85806404.